The following is an entry in ClinVar:

NM_000321.3(RB1):c.2106+2T>A

Gene: RB1 (RB transcriptional corepressor 1; plus strand). Cytogenetic location: 13q14.2.
Variant type: single nucleotide variant.
Coding change: c.2106+2T>A on transcript NM_000321.3 (MANE Select); the canonical splice donor site of the intron after coding-DNA position 2106, T replaced by A.
Molecular consequence: splice donor variant.
Genome position (GRCh38, 1-based): chr13:48,459,835, T>A. VCF-style: chr13-48459835-T-A. GRCh37 (hg19) VCF-style: chr13-49033971-T-A.
Other names: c.2106+2T>A (NM_001407165.1).
Identifiers: ClinVar variation 647218 (VCV000647218.10), dbSNP rs1566235515, ClinGen allele CA388166988.

ClinVar aggregate classification (germline): Pathogenic/Likely pathogenic. Review status: criteria provided, multiple submitters, no conflicts (2 of 4 stars). 2 submissions from 2 submitters: Pathogenic (1); Likely pathogenic (1). Last evaluated 2026-07-13.

Conditions:
Hereditary cancer-predisposing syndrome. Also called: Neoplastic Syndromes, Hereditary; Hereditary Cancer Syndrome; Hereditary neoplastic syndrome; Tumor predisposition. Identifiers: Orphanet 140162, MedGen C0027672, MeSH D009386, MONDO:0015356.
Retinoblastoma (RB1). Also called: RETINOBLASTOMA, SOMATIC. Identifiers: Orphanet 790, MedGen C0035335, MeSH D012175, MONDO:0008380, OMIM 180200, HP:0009919. Disease mechanism: loss of function. Inheritance: Both sporadic and heritable forms are tested..

Submissions (2):

Ambry Genetics
Classification: Likely pathogenic for Hereditary cancer-predisposing syndrome. Last evaluated: 2026-07-13. Review status: criteria provided, single submitter. Criteria: Ambry Variant Classification Scheme 2023. Collection method: clinical testing. Allele origin: germline.
Comment: The c.2106+2T>A intronic variant results from a T to A substitution two nucleotides after coding exon 20 in the RB1 gene. This variant was reported in individual(s) with features consistent with RB1-related retinoblastoma (Ambry internal data). This variant is considered to be rare based on population cohorts in the Genome Aggregation Database (gnomAD). This nucleotide position is highly conserved in available vertebrate species. In silico splice site analysis predicts that this alteration will weaken the native splice donor site and may result in the creation or strengthening of a novel splice donor site. Variants that disrupt the canonical splice site are expected to cause aberrant splicing, resulting in an abnormal protein or a transcript that is subject to nonsense-mediated mRNA decay. As such, this variant is classified as likely pathogenic.

Labcorp Genetics (formerly Invitae), Labcorp
Classification: Pathogenic for Retinoblastoma. Last evaluated: 2021-01-13. Review status: criteria provided, single submitter. Criteria: Invitae Variant Classification Sherloc (09022015). Collection method: clinical testing. Allele origin: germline.
Comment: For these reasons, this variant has been classified as Pathogenic. Algorithms developed to predict the effect of sequence changes on RNA splicing suggest that this variant may disrupt the consensus splice site, but this prediction has not been confirmed by published transcriptional studies. Disruption of this splice site has been observed in individual(s) with bilateral retinoblastoma (PMID: 30031154, 16463005). This variant is not present in population databases (ExAC no frequency). This sequence change affects a donor splice site in intron 20 of the RB1 gene. It is expected to disrupt RNA splicing. Variants that disrupt the donor or acceptor splice site typically lead to a loss of protein function (PMID: 16199547), and loss-of-function variants in RB1 are known to be pathogenic (PMID: 17096365).

Literature cited by the submitters: PubMed 30031154 (cited by Labcorp Genetics (formerly Invitae), Labcorp); PubMed 16463005 (cited by Labcorp Genetics (formerly Invitae), Labcorp); PubMed 16199547 (cited by Labcorp Genetics (formerly Invitae), Labcorp); PubMed 17096365 (cited by Labcorp Genetics (formerly Invitae), Labcorp).